The following is an entry in ClinVar:

ClinVar aggregate classification (germline): Uncertain significance (1 of 4 stars; one submission).

Submission:

GeneDx
Classification: Uncertain significance. Last evaluated: 2019-08-27. Review status: criteria provided, single submitter. Criteria: GeneDx Variant Classification Process June 2021. Collection method: clinical testing. Allele origin: germline. Affected: yes.
Comment: Not observed in large population cohorts (Lek et al., 2016); In silico analysis, which includes protein predictors and evolutionary conservation, supports that this variant does not alter protein structure/function; Has not been previously published as pathogenic or benign to our knowledge

NM_170606.3(KMT2C):c.8444A>G (p.Lys2815Arg)

Gene: KMT2C (lysine methyltransferase 2C; minus strand). Cytogenetic location: 7q36.1.
Variant type: single nucleotide variant.
Coding change: c.8444A>G on transcript NM_170606.3 (MANE Select); coding-DNA position 8444, A replaced by G.
Protein change: p.Lys2815Arg; replaces lysine 2815 with arginine.
Molecular consequence: missense variant.
Genome position (GRCh38, 1-based): chr7:152,177,009, T>C on the plus strand (A>G on the coding strand, the complement: KMT2C is on the minus strand). VCF-style: chr7-152177009-T-C. GRCh37 (hg19) VCF-style: chr7-151874094-T-C.
Other names: short protein forms K2815R.
Identifiers: ClinVar variation 1308087 (VCV001308087.2), dbSNP rs2129114048, ClinGen allele CA370079798.